The following is an entry in ClinVar:

ClinVar aggregate classification (germline): Uncertain significance (1 of 4 stars; one submission).

Conditions:
Neuronal ceroid lipofuscinosis. Also called: Neuronal Ceroid Lipofuscinoses. Identifiers: Orphanet 216, Orphanet 79263, MedGen C0027877, MONDO:0016295. Disease mechanism: loss of function.

Submission:

Labcorp Genetics (formerly Invitae), Labcorp
Classification: Uncertain significance for Neuronal ceroid lipofuscinosis. Last evaluated: 2023-08-17. Review status: criteria provided, single submitter. Criteria: Invitae Variant Classification Sherloc (09022015). Collection method: clinical testing. Allele origin: germline.
Comment: In summary, the available evidence is currently insufficient to determine the role of this variant in disease. Therefore, it has been classified as a Variant of Uncertain Significance. Advanced modeling of protein sequence and biophysical properties (such as structural, functional, and spatial information, amino acid conservation, physicochemical variation, residue mobility, and thermodynamic stability) performed at Invitae indicates that this missense variant is not expected to disrupt CLN3 protein function. ClinVar contains an entry for this variant (Variation ID: 1480485). This variant has not been reported in the literature in individuals affected with CLN3-related conditions. This variant is not present in population databases (gnomAD no frequency). This sequence change replaces serine, which is neutral and polar, with cysteine, which is neutral and slightly polar, at codon 151 of the CLN3 protein (p.Ser151Cys).

NM_001042432.2(CLN3):c.451A>T (p.Ser151Cys)

Gene: CLN3 (CLN3 lysosomal/endosomal transmembrane protein, battenin; minus strand). Cytogenetic location: 16p12.1.
Variant type: single nucleotide variant.
Coding change: c.451A>T on transcript NM_001042432.2 (MANE Select); coding-DNA position 451, A replaced by T.
Protein change: p.Ser151Cys; replaces serine 151 with cysteine.
Molecular consequence: missense variant.
Genome position (GRCh38, 1-based): chr16:28,487,465, T>A on the plus strand (A>T on the coding strand, the complement: CLN3 is on the minus strand). VCF-style: chr16-28487465-T-A. GRCh37 (hg19) VCF-style: chr16-28498786-T-A.
Other names: c.451A>T, p.Ser151Cys (NM_000086.2); c.379A>T, p.Ser127Cys (NM_001286104.2); c.151A>T, p.Ser51Cys (NM_001286105.2); c.217A>T, p.Ser73Cys (NM_001286109.2); c.289A>T, p.Ser97Cys (NM_001286110.2); short protein forms S151C, S51C, S127C, S73C, S97C.
Identifiers: ClinVar variation 1480485 (VCV001480485.8), dbSNP rs2141714276, ClinGen allele CA395345790.